The following is an entry in ClinVar:

NM_022455.5(NSD1):c.5007C>G (p.His1669Gln)

Gene: NSD1 (nuclear receptor binding SET domain protein 1; plus strand). Cytogenetic location: 5q35.3.
Variant type: single nucleotide variant.
Coding change: c.5007C>G on transcript NM_022455.5 (MANE Select); coding-DNA position 5007, C replaced by G.
Protein change: p.His1669Gln; replaces histidine 1669 with glutamine.
Molecular consequence: missense variant.
Genome position (GRCh38, 1-based): chr5:177,260,029, C>G. VCF-style: chr5-177260029-C-G. GRCh37 (hg19) VCF-style: chr5-176687030-C-G.
Other names: c.4134C>G, p.His1378Gln (NM_001365684.2, NM_001409308.1, NM_001409309.1 and 1 more transcripts); c.5007C>G, p.His1669Gln (NM_001409301.1, NM_001409302.1, NM_001409303.1); c.4587C>G, p.His1529Gln (NM_001409304.1); c.4254C>G, p.His1418Gln (NM_001409305.1); c.4245C>G, p.His1415Gln (NM_001409306.1, NM_001409307.1); short protein forms H1669Q, H1400Q, H1415Q, H1418Q, H1529Q, H1378Q.
Identifiers: ClinVar variation 454054 (VCV000454054.10), dbSNP rs146414176, ClinGen allele CA362302709.

ClinVar aggregate classification (germline): Uncertain significance (1 of 4 stars; one submission).

Submission:

Labcorp Genetics (formerly Invitae), Labcorp
Classification: Uncertain significance. Last evaluated: 2023-07-10. Review status: criteria provided, single submitter. Criteria: Invitae Variant Classification Sherloc (09022015). Collection method: clinical testing. Allele origin: germline.
Comment: ClinVar contains an entry for this variant (Variation ID: 454054). In summary, the available evidence is currently insufficient to determine the role of this variant in disease. Therefore, it has been classified as a Variant of Uncertain Significance. Advanced modeling of protein sequence and biophysical properties (such as structural, functional, and spatial information, amino acid conservation, physicochemical variation, residue mobility, and thermodynamic stability) performed at Invitae indicates that this missense variant is expected to disrupt NSD1 protein function. This variant has not been reported in the literature in individuals affected with NSD1-related conditions. This variant is not present in population databases (gnomAD no frequency). This sequence change replaces histidine, which is basic and polar, with glutamine, which is neutral and polar, at codon 1669 of the NSD1 protein (p.His1669Gln).